The following is an entry in ClinVar:

NM_002878.4(RAD51D):c.831C>T (p.Leu277=)

Genes: RAD51D (RAD51 paralog D; minus strand), RAD51L3-RFFL (RAD51L3-RFFL readthrough; minus strand). Cytogenetic location: 17q12.
Variant type: single nucleotide variant.
Coding change: c.831C>T on transcript NM_002878.4 (MANE Select); coding-DNA position 831, C replaced by T.
Protein change: p.Leu277=; no amino-acid change (leucine 277 retained).
Molecular consequence: synonymous variant. On other transcripts: non-coding transcript variant (3).
Genome position (GRCh38, 1-based): chr17:35,101,273, G>A on the plus strand (C>T on the coding strand, the complement: RAD51D is on the minus strand). VCF-style: chr17-35101273-G-A. GRCh37 (hg19) VCF-style: chr17-33428292-G-A.
Other names: c.891C>T, p.Leu297= (NM_001142571.2); c.495C>T, p.Leu165= (NM_133629.3).
Identifiers: ClinVar variation 3904228 (VCV003904228.1).

ClinVar aggregate classification (germline): Benign (1 of 4 stars; one submission).

Conditions:
Breast-ovarian cancer, familial, susceptibility to, 4. Identifiers: Orphanet 145, MedGen C3280345, MONDO:0013669, OMIM 614291.

Submission:

Myriad Genetics, Inc.
Classification: Benign for Breast-ovarian cancer, familial, susceptibility to, 4. Last evaluated: 2025-02-24. Review status: criteria provided, single submitter. Criteria: Myriad Autosomal Dominant, Autosomal Recessive and X-Linked Classification Criteria (2023). Collection method: clinical testing. Allele origin: unknown.
Comment: This variant is considered benign. This variant is a silent/synonymous amino acid change and it is not expected to impact splicing.